The following is an entry in ClinVar:

NM_002439.5(MSH3):c.2143A>T (p.Arg715Trp)

Gene: MSH3 (mutS homolog 3; plus strand). Cytogenetic location: 5q14.1.
Variant type: single nucleotide variant.
Coding change: c.2143A>T on transcript NM_002439.5 (MANE Select); coding-DNA position 2143, A replaced by T.
Protein change: p.Arg715Trp; replaces arginine 715 with tryptophan.
Molecular consequence: missense variant.
Genome position (GRCh38, 1-based): chr5:80,768,893, A>T. VCF-style: chr5-80768893-A-T. GRCh37 (hg19) VCF-style: chr5-80064712-A-T.
Other names: short protein forms R715W.
Identifiers: ClinVar variation 2831792 (VCV002831792.3), dbSNP rs2546774246, ClinGen allele CA360279380.

ClinVar aggregate classification (germline): Uncertain significance (1 of 4 stars; one submission).

Submission:

Labcorp Genetics (formerly Invitae), Labcorp
Classification: Uncertain significance. Last evaluated: 2024-04-22. Review status: criteria provided, single submitter. Criteria: Invitae Variant Classification Sherloc (09022015). Collection method: clinical testing. Allele origin: germline.
Comment: This sequence change replaces arginine, which is basic and polar, with tryptophan, which is neutral and slightly polar, at codon 715 of the MSH3 protein (p.Arg715Trp). This variant is not present in population databases (gnomAD no frequency). This variant has not been reported in the literature in individuals affected with MSH3-related conditions. An algorithm developed to predict the effect of missense changes on protein structure and function (PolyPhen-2) suggests that this variant is likely to be disruptive. In summary, the available evidence is currently insufficient to determine the role of this variant in disease. Therefore, it has been classified as a Variant of Uncertain Significance.